The following is an entry in ClinVar:

ClinVar aggregate classification (germline): Pathogenic/Likely pathogenic. Review status: criteria provided, multiple submitters, no conflicts (2 of 4 stars). 2 submissions from 2 submitters: Pathogenic (1); Likely pathogenic (1). Last evaluated 2025-09-12.

Conditions:
Gorlin syndrome. Also called: Nevoid Basal Cell Carcinoma Syndrome; Basal cell nevus syndrome. Identifiers: Orphanet 377, MedGen C0004779, MONDO:0007187.

Submissions (2):

GeneDx
Classification: Pathogenic. Last evaluated: 2025-09-12. Review status: criteria provided, single submitter. Criteria: GeneDx Variant Classification Process June 2021. Collection method: clinical testing. Allele origin: germline. Affected: yes.
Comment: Observed in patients with a personal and/or family history of features associated with basal cell nevus syndrome in the published literature and referred for genetic testing at GeneDx (PMID: 29575684); Not observed at significant frequency in large population cohorts (gnomAD); Canonical splice site variant predicted to result in a null allele in a gene for which loss of function is a known mechanism of disease; This variant is associated with the following publications: (PMID: 29575684)

Labcorp Genetics (formerly Invitae), Labcorp
Classification: Likely pathogenic for Gorlin syndrome. Last evaluated: 2024-12-16. Review status: criteria provided, single submitter. Criteria: Invitae Variant Classification Sherloc (09022015). Collection method: clinical testing. Allele origin: germline.
Comment: This sequence change affects a donor splice site in intron 14 of the PTCH1 gene. It is expected to disrupt RNA splicing. Variants that disrupt the donor or acceptor splice site typically lead to a loss of protein function (PMID: 16199547), and loss-of-function variants in PTCH1 are known to be pathogenic (PMID: 16301862, 16419085). This variant is not present in population databases (gnomAD no frequency). Disruption of this splice site has been observed in individual(s) with basal cell nevus syndrome (PMID: 29575684). ClinVar contains an entry for this variant (Variation ID: 2723263). Algorithms developed to predict the effect of sequence changes on RNA splicing suggest that this variant may disrupt the consensus splice site. In summary, the currently available evidence indicates that the variant is pathogenic, but additional data are needed to prove that conclusively. Therefore, this variant has been classified as Likely Pathogenic.

Literature cited by the submitters: PubMed 16199547 (cited by Labcorp Genetics (formerly Invitae), Labcorp); PubMed 16301862 (cited by Labcorp Genetics (formerly Invitae), Labcorp); PubMed 16419085 (cited by Labcorp Genetics (formerly Invitae), Labcorp); PubMed 29575684 (cited by Labcorp Genetics (formerly Invitae), Labcorp).

NM_000264.5(PTCH1):c.2250+1G>T

Genes: PTCH1 (patched 1; minus strand), LOC100507346 (uncharacterized LOC100507346; plus strand). Cytogenetic location: 9q22.32.
Variant type: single nucleotide variant.
Coding change: c.2250+1G>T on transcript NM_000264.5 (MANE Select); the canonical splice donor site of the intron after coding-DNA position 2250, G replaced by T.
Molecular consequence: splice donor variant. On other transcripts: non-coding transcript variant (1).
Genome position (GRCh38, 1-based): chr9:95,468,750, C>A on the plus strand (G>T on the coding strand, the complement: PTCH1 is on the minus strand). VCF-style: chr9-95468750-C-A. GRCh37 (hg19) VCF-style: chr9-98231032-C-A.
Other names: c.2247+1G>T (NM_001083603.3); c.2052+1G>T (NM_001083602.3); c.2094+1G>T (NM_001354918.2); c.1797+1G>T (NM_001083605.3, NM_001083604.3, NM_001083606.3 and 1 more transcripts).
Identifiers: ClinVar variation 2723263 (VCV002723263.4), dbSNP rs2118020615, ClinGen allele CA374115179.